The following is an entry in ClinVar:

NM_000198.4(HSD3B2):c.245C>T (p.Ala82Val)

Gene: HSD3B2 (hydroxy-delta-5-steroid dehydrogenase, 3 beta- and steroid delta-isomerase 2; plus strand). Cytogenetic location: 1p12.
Variant type: single nucleotide variant.
Coding change: c.245C>T on transcript NM_000198.4 (MANE Select); coding-DNA position 245, C replaced by T.
Protein change: p.Ala82Val; replaces alanine 82 with valine.
Molecular consequence: missense variant.
Genome position (GRCh38, 1-based): chr1:119,419,520, C>T. VCF-style: chr1-119419520-C-T. GRCh37 (hg19) VCF-style: chr1-119962143-C-T.
Other names: c.245C>T, p.Ala82Val (NM_001166120.2); short protein forms A82V.
Identifiers: ClinVar variation 4069562 (VCV004069562.2).
Genomic context (GRCh38, chr1:119,419,520, plus strand): 5'-TTCTGGATGAGCCATTCCTGAAAAGAGCCTGCCAGGACGTCTCGGTCGTCATCCACACCG[C>T]CTGTATCATTGATGTCTTTGGTGTCACTCACAGAGAGTCCATCATGAATGTCAATGTGAA-3'
Protein context (NP_000189.1, residues 72-92): CQDVSVVIHT[Ala82Val]CIIDVFGVTH

ClinVar aggregate classification (germline): Uncertain significance. Review status: criteria provided, single submitter (1 of 4 stars). 2 submissions from 2 submitters: Uncertain significance (1). 1 of the submissions does not count toward it. Last evaluated 2025-10-17.

Conditions:
3 beta-Hydroxysteroid dehydrogenase deficiency. Also called: 3-BETA-HSD DEFICIENCY; ADRENAL HYPERPLASIA II; 3b-hydroxysteroid dehydrogenase deficiency; ADRENAL HYPERPLASIA, CONGENITAL, DUE TO 3-BETA-HYDROXYSTEROID DEHYDROGENASE 2 DEFICIENCY; Congenital adrenal hyperplasia due to 3-beta-hydroxysteroid dehydrogenase deficiency. Identifiers: Orphanet 90791, MedGen C0342471, MeSH C538236, MONDO:0008727, OMIM 201810. Disease mechanism: loss of function.

gnomAD v4.1: 4 of 1,613,774 alleles (0.00025%); highest among the groups gnomAD compares: East Asian, 0.0067%; no homozygotes.

Submissions (2):

Women's Health and Genetics/Laboratory Corporation of America, LabCorp
Classification: Uncertain significance. Last evaluated: 2025-10-17. Review status: criteria provided, single submitter. Criteria: LabCorp Variant Classification Summary - May 2015. Collection method: clinical testing. Allele origin: germline.
Comment: Variant summary: HSD3B2 c.245C>T (p.Ala82Val) results in a non-conservative amino acid change in the encoded protein sequence. Algorithms developed to predict the effect of missense changes on protein structure and function all suggest that this variant is likely to be disruptive. The variant allele was found at a frequency of 4e-06 in 250978 control chromosomes. The available data on variant occurrences in the general population are insufficient to allow any conclusion about variant significance. To our knowledge, no occurrence of c.245C>T in individuals affected with HSD3B2-related conditions and no experimental evidence demonstrating its impact on protein function have been reported. A different variant affecting the same codon has been classified as likely pathogenic by our lab (c.244G>A, p.Ala82Thr), supporting the critical relevance of codon 82 to HSD3B2 protein function. ClinVar contains an entry for this variant (Variation ID: 4069562). Based on the evidence outlined above, the variant was classified as uncertain significance.

Natera, Inc.
Classification: Uncertain significance for 3 beta hydroxysteroid dehydrogenase deficiency. Last evaluated: 2025-04-08. Review status: no assertion criteria provided. Collection method: clinical testing. Allele origin: germline. Not counted in ClinVar's aggregate classification.